The following is an entry in ClinVar:

NM_001754.5(RUNX1):c.1264G>C (p.Glu422Gln)

Gene: RUNX1 (RUNX family transcription factor 1; minus strand). Cytogenetic location: 21q22.12.
Variant type: single nucleotide variant.
Coding change: c.1264G>C on transcript NM_001754.5 (MANE Select); coding-DNA position 1264, G replaced by C.
Protein change: p.Glu422Gln; replaces glutamic acid 422 with glutamine.
Molecular consequence: missense variant.
Genome position (GRCh38, 1-based): chr21:34,792,314, C>G on the plus strand (G>C on the coding strand, the complement: RUNX1 is on the minus strand). VCF-style: chr21-34792314-C-G. GRCh37 (hg19) VCF-style: chr21-36164611-C-G.
Other names: NM_001754.5(RUNX1):c.1264G>C; p.Glu422Gln; c.1264G>C (NM_001754.4); c.1183G>C, p.Glu395Gln (NM_001001890.3); short protein forms E422Q, E395Q.
Identifiers: ClinVar variation 1043154 (VCV001043154.11), dbSNP rs2056451816, ClinGen allele CA410147596.

ClinVar aggregate classification (germline): Uncertain significance. Review status: reviewed by expert panel (3 of 4 stars). 3 submissions from 3 submitters: Uncertain significance (1). 2 of the submissions do not count toward it. Last evaluated 2025-01-15.

Conditions:
Hereditary thrombocytopenia and hematologic cancer predisposition syndrome. Identifiers: Orphanet 71290, MedGen CN281654, MONDO:0011071.
Inborn genetic diseases. Identifiers: MedGen C0950123, MeSH D030342.
Hereditary thrombocytopenia and hematological cancer predisposition syndrome associated with RUNX1. Also called: Familial Platelet Disorder with Propensity to Acute Myelogenous Leukemia; Familial thrombocytopenia with propensity to acute myelogenous leukemia; RUNX1 Familial Platelet Disorder with Associated Myeloid Malignancies; PLATELET DISORDER, ASPIRIN-LIKE. Identifiers: Orphanet 71290, MedGen C1832388, MeSH C563324, MONDO:0100083, OMIM 601399.

Allele frequency attached by ClinVar (database versions not stated): gnomAD exomes below 0.00001.
gnomAD v4.1: 2 of 1,542,452 alleles (0.00013%); highest among the groups gnomAD compares: Non-Finnish European, 0.00017%; no homozygotes.

Submissions (3):

ClinGen Myeloid Malignancy Variant Curation Expert Panel
Classification: Uncertain significance for Hereditary thrombocytopenia and hematologic cancer predisposition syndrome. Last evaluated: 2025-01-15. Review status: reviewed by expert panel. Criteria: ClinGen MyeloMalig ACMG Specifications v2. Collection method: curation. Allele origin: germline. Inheritance: Autosomal dominant inheritance.
Comment: NM_001754.5(RUNX1):c.1264G>C (p.Glu422Gln) is a missense variant which is completely absent from all population databases with at least 20x coverage for RUNX1 (PM2_supporting). It has a REVEL score of 0.089, which is less than 0.50 and a spliceAI score <0.2 (0.0) (BP4). In summary, this variant meets the criteria to be classified as a variant of uncertain significance. ACMG/AMP criteria applied, as specified by the Myeloid Malignancy Variant Curation Expert Panel for RUNX1: BP4, PM2_supporting.

Ambry Genetics
Classification: Uncertain significance for Inborn genetic diseases. Last evaluated: 2026-03-29. Review status: criteria provided, single submitter. Criteria: Ambry Variant Classification Scheme 2023. Collection method: clinical testing. Allele origin: germline. Not counted in ClinVar's aggregate classification.
Comment: The p.E422Q variant (also known as c.1264G>C), located in coding exon 8 of the RUNX1 gene, results from a G to C substitution at nucleotide position 1264. The glutamic acid at codon 422 is replaced by glutamine, an amino acid with highly similar properties. This amino acid position is conserved. In addition, this alteration is predicted to be tolerated by in silico analysis. Based on the available evidence, the clinical significance of this variant remains unclear.

Labcorp Genetics (formerly Invitae), Labcorp
Classification: Uncertain significance for Hereditary thrombocytopenia and hematological cancer predisposition syndrome associated with RUNX1. Last evaluated: 2022-11-22. Review status: criteria provided, single submitter. Criteria: Invitae Variant Classification Sherloc (09022015). Collection method: clinical testing. Allele origin: germline. Not counted in ClinVar's aggregate classification.
Comment: In summary, the available evidence is currently insufficient to determine the role of this variant in disease. Therefore, it has been classified as a Variant of Uncertain Significance. Advanced modeling of protein sequence and biophysical properties (such as structural, functional, and spatial information, amino acid conservation, physicochemical variation, residue mobility, and thermodynamic stability) performed at Invitae indicates that this missense variant is not expected to disrupt RUNX1 protein function. ClinVar contains an entry for this variant (Variation ID: 1043154). This variant has not been reported in the literature in individuals affected with RUNX1-related conditions. This variant is not present in population databases (gnomAD no frequency). This sequence change replaces glutamic acid, which is acidic and polar, with glutamine, which is neutral and polar, at codon 422 of the RUNX1 protein (p.Glu422Gln).